The following is an entry in ClinVar:

NM_001261826.3(AP3D1):c.853G>A (p.Ala285Thr)

Gene: AP3D1 (adaptor related protein complex 3 subunit delta 1; minus strand). Cytogenetic location: 19p13.3.
Variant type: single nucleotide variant.
Coding change: c.853G>A on transcript NM_001261826.3 (MANE Select); coding-DNA position 853, G replaced by A.
Protein change: p.Ala285Thr; replaces alanine 285 with threonine.
Molecular consequence: missense variant.
Genome position (GRCh38, 1-based): chr19:2,127,155, C>T on the plus strand (G>A on the coding strand, the complement: AP3D1 is on the minus strand). VCF-style: chr19-2127155-C-T. GRCh37 (hg19) VCF-style: chr19-2127154-C-T.
Other names: c.853G>A, p.Ala285Thr (NM_001374799.1, NM_003938.8); short protein forms A285T.
Identifiers: ClinVar variation 2061026 (VCV002061026.4), dbSNP rs2512192747, ClinGen allele CA403226163.
Genomic context (GRCh38, chr19:2,127,155, plus strand): 5'-TGAGACCCCAGCCTGGCAGTGCCAGCCCTTCCAGATGGGGAGAGTGCCAGTTCTCACCTG[C>T]AATCACGGTGTTCACACATTCATAGAGGAGAGACATGGCAGACGTGCTAAGGAAAGGAAC-3'
Protein context (NP_001248755.1, residues 275-295): LLYECVNTVI[Ala285Thr]VLISLSSGMP

ClinVar aggregate classification (germline): Uncertain significance (1 of 4 stars; one submission).

Submission:

Labcorp Genetics (formerly Invitae), Labcorp
Classification: Uncertain significance. Last evaluated: 2024-02-17. Review status: criteria provided, single submitter. Criteria: Invitae Variant Classification Sherloc (09022015). Collection method: clinical testing. Allele origin: germline.
Comment: This sequence change replaces alanine, which is neutral and non-polar, with threonine, which is neutral and polar, at codon 285 of the AP3D1 protein (p.Ala285Thr). This variant is not present in population databases (gnomAD no frequency). This variant has not been reported in the literature in individuals affected with AP3D1-related conditions. ClinVar contains an entry for this variant (Variation ID: 2061026). An algorithm developed to predict the effect of missense changes on protein structure and function (PolyPhen-2) suggests that this variant is likely to be tolerated. In summary, the available evidence is currently insufficient to determine the role of this variant in disease. Therefore, it has been classified as a Variant of Uncertain Significance.